The following is an entry in ClinVar:

ClinVar aggregate classification (germline): Uncertain significance (1 of 4 stars; one submission).

Conditions:
Bethlem myopathy 1A. Also called: MYOPATHY, BENIGN CONGENITAL, WITH CONTRACTURES; Bethlem myopathy 1; Bethlem Muscular Dystrophy. Identifiers: Orphanet 610, MedGen CN029274, MONDO:0024530, OMIM 158810.

Allele frequency attached by ClinVar (database versions not stated): gnomAD exomes 0.00001; ExAC 0.00002.
gnomAD v4.1: 6 of 1,613,460 alleles (0.00037%); highest among the groups gnomAD compares: South Asian, 0.0066%; no homozygotes.

Submission:

Labcorp Genetics (formerly Invitae), Labcorp
Classification: Uncertain significance for Bethlem myopathy 1. Last evaluated: 2019-11-29. Review status: criteria provided, single submitter. Criteria: Invitae Variant Classification Sherloc (09022015). Collection method: clinical testing. Allele origin: germline.
Comment: This sequence change replaces proline with alanine at codon 2157 of the COL6A3 protein (p.Pro2157Ala). The proline residue is highly conserved and there is a small physicochemical difference between proline and alanine. This variant is present in population databases (rs746104217, ExAC 0.01%). This variant has not been reported in the literature in individuals with COL6A3-related conditions. Algorithms developed to predict the effect of missense changes on protein structure and function are either unavailable or do not agree on the potential impact of this missense change (SIFT: "Deleterious"; PolyPhen-2: "Possibly Damaging"; Align-GVGD: "Class C0"). In summary, the available evidence is currently insufficient to determine the role of this variant in disease. Therefore, it has been classified as a Variant of Uncertain Significance.

NM_004369.4(COL6A3):c.6469C>G (p.Pro2157Ala)

Gene: COL6A3 (collagen type VI alpha 3 chain; minus strand). Cytogenetic location: 2q37.3.
Variant type: single nucleotide variant.
Coding change: c.6469C>G on transcript NM_004369.4 (MANE Select); coding-DNA position 6469, C replaced by G.
Protein change: p.Pro2157Ala; replaces proline 2157 with alanine.
Molecular consequence: missense variant.
Genome position (GRCh38, 1-based): chr2:237,358,523, G>C on the plus strand (C>G on the coding strand, the complement: COL6A3 is on the minus strand). VCF-style: chr2-237358523-G-C. GRCh37 (hg19) VCF-style: chr2-238267166-G-C.
Other names: c.4648C>G, p.Pro1550Ala (NM_057166.5); c.5851C>G, p.Pro1951Ala (NM_057167.4); short protein forms P1951A, P2157A, P1550A.
Identifiers: ClinVar variation 854490 (VCV000854490.1), dbSNP rs746104217, ClinGen allele CA2188282.